The following is an entry in ClinVar:

ClinVar aggregate classification (germline): Uncertain significance (1 of 4 stars; one submission).

gnomAD v4.1: 1 of 1,610,974 alleles (0.000062%); highest among the groups gnomAD compares: Admixed American, 0.0017%; no homozygotes.

Submission:

GeneDx
Classification: Uncertain significance. Last evaluated: 2024-01-26. Review status: criteria provided, single submitter. Criteria: GeneDx Variant Classification Process June 2021. Collection method: clinical testing. Allele origin: germline. Affected: yes.
Comment: Not observed at significant frequency in large population cohorts (gnomAD); In silico analysis supports that this missense variant has a deleterious effect on protein structure/function; Has not been previously published as pathogenic or benign to our knowledge

NM_015404.4(WHRN):c.1010T>A (p.Ile337Asn)

Gene: WHRN (whirlin; minus strand). Cytogenetic location: 9q32.
Variant type: single nucleotide variant.
Coding change: c.1010T>A on transcript NM_015404.4 (MANE Select); coding-DNA position 1010, T replaced by A.
Protein change: p.Ile337Asn; replaces isoleucine 337 with asparagine.
Molecular consequence: missense variant. On other transcripts: 5 prime UTR variant (1).
Genome position (GRCh38, 1-based): chr9:114,426,367, A>T on the plus strand (T>A on the coding strand, the complement: WHRN is on the minus strand). VCF-style: chr9-114426367-A-T. GRCh37 (hg19) VCF-style: chr9-117188647-A-T.
Other names: c.-140T>A (NM_001083885.3); c.1010T>A, p.Ile337Asn (NM_001173425.2); short protein forms I337N.
Identifiers: ClinVar variation 3367949 (VCV003367949.1).
Genomic context (GRCh38, chr9:114,426,367, plus strand): 5'-TTCACTGTCAGGATGAGGTGCCGAGATGACTTAAGCAGCCTGACAGCCTCGTCGTGTAGG[A>T]TGTTGAGAAAGCTCCGCCCATTCACTTCTAGAATCTGGTCCCCAACCTGCCAAGATCACC-3'
Protein context (NP_056219.3, residues 327-347): LEVNGRSFLN[Ile337Asn]LHDEAVRLLK